The following is an entry in ClinVar:

NM_001754.5(RUNX1):c.432G>A (p.Leu144=)

Genes: RUNX1 (RUNX family transcription factor 1; minus strand), RUNX1-AS1 (RUNX1 antisense RNA 1; plus strand). Cytogenetic location: 21q22.12.
Variant type: single nucleotide variant.
Coding change: c.432G>A on transcript NM_001754.5 (MANE Select); coding-DNA position 432, G replaced by A.
Protein change: p.Leu144=; no amino-acid change (leucine 144 retained).
Molecular consequence: synonymous variant.
Genome position (GRCh38, 1-based): chr21:34,880,633, C>T on the plus strand (G>A on the coding strand, the complement: RUNX1 is on the minus strand). VCF-style: chr21-34880633-C-T. GRCh37 (hg19) VCF-style: chr21-36252930-C-T.
Other names: NM_001754.5(RUNX1):c.432G>A; p.Leu144=; c.351G>A, p.Leu117= (NM_001001890.3, NM_001122607.2).
Identifiers: ClinVar variation 2181528 (VCV002181528.5), dbSNP rs2146362106, ClinGen allele CA512318731.

ClinVar aggregate classification (germline): Likely benign. Review status: reviewed by expert panel (3 of 4 stars). 2 submissions from 2 submitters: Likely benign (1). 1 of the submissions does not count toward it. Last evaluated 2024-09-18.

Conditions:
Hereditary thrombocytopenia and hematologic cancer predisposition syndrome. Identifiers: Orphanet 71290, MedGen CN281654, MONDO:0011071.
Hereditary thrombocytopenia and hematological cancer predisposition syndrome associated with RUNX1. Also called: Familial Platelet Disorder with Propensity to Acute Myelogenous Leukemia; Familial thrombocytopenia with propensity to acute myelogenous leukemia; PLATELET DISORDER, ASPIRIN-LIKE; RUNX1 Familial Platelet Disorder with Associated Myeloid Malignancies. Identifiers: Orphanet 71290, MedGen C1832388, MeSH C563324, MONDO:0100083, OMIM 601399.

Submissions (2):

ClinGen Myeloid Malignancy Variant Curation Expert Panel
Classification: Likely benign for Hereditary thrombocytopenia and hematologic cancer predisposition syndrome. Last evaluated: 2024-09-18. Review status: reviewed by expert panel. Criteria: ClinGen MyeloMalig ACMG Specifications v2. Collection method: curation. Allele origin: germline. Inheritance: Autosomal dominant inheritance.
Comment: NM_001754.5(RUNX1):c.432G>A (p.Leu144=) is a synonymous variant which has a SpliceAI score ≤ 0.20 (0.01) (BP4). This variant has a SpliceAI score ≤ 0.20 (0.01) and evolutionary conservation algorithms predict the site as not being conserved (PhyloP score ≤ 2.0 (0.05)) (BP7). This variant is completely absent from all population databases with at least 20x coverage for RUNX1 (PM2_supporting). In summary, this variant meets criteria to be classified as likely benign. ACMG/AMP criteria applied, as specified by the Myeloid Malignancy Variant Curation Expert Panel for RUNX1: BP4, BP7, PM2_supporting.

Labcorp Genetics (formerly Invitae), Labcorp
Classification: Likely benign for Hereditary thrombocytopenia and hematological cancer predisposition syndrome associated with RUNX1. Last evaluated: 2022-09-15. Review status: criteria provided, single submitter. Criteria: Invitae Variant Classification Sherloc (09022015). Collection method: clinical testing. Allele origin: germline. Not counted in ClinVar's aggregate classification.